The following is an entry in ClinVar:

NM_002016.2(FLG):c.7110C>T (p.Asp2370=)

Genes: CCDST (cervical cancer associated DHX9 suppressive transcript; plus strand), FLG (filaggrin; minus strand). Cytogenetic location: 1q21.3.
Variant type: single nucleotide variant.
Coding change: c.7110C>T on transcript NM_002016.2 (MANE Select); coding-DNA position 7110, C replaced by T.
Protein change: p.Asp2370=; no amino-acid change (aspartic acid 2370 retained).
Molecular consequence: synonymous variant.
Genome position (GRCh38, 1-based): chr1:152,307,776, G>A on the plus strand (C>T on the coding strand, the complement: FLG is on the minus strand). VCF-style: chr1-152307776-G-A. GRCh37 (hg19) VCF-style: chr1-152280252-G-A.
Identifiers: ClinVar variation 2639272 (VCV002639272.24), dbSNP rs375595453, ClinGen allele CA1104895.
Genomic context (GRCh38, chr1:152,307,776, plus strand): 5'-CCCAGCCTGTCCGTGGGCTGACACTGACTGTGTGTCTGAGTCTTCTGAATGTCCCTCACT[G>A]TCACTGGCCTGACTACCACTGGACCCTCGGTGTCCACTGTCTCTGACTGCAGATGAAGCT-3'
Protein context (NP_002007.1, residues 2360-2380): HRGSSGSQAS[Asp2370=]SEGHSEDSDT

ClinVar aggregate classification (germline): Likely benign (1 of 4 stars; one submission).

Allele frequency attached by ClinVar (database versions not stated): ESP Exome Variant Server 0.00031; gnomAD exomes 0.00002; ExAC 0.00008; gnomAD 0.00010; 1000 Genomes Project 0.00020; 1000 Genomes Project 30x 0.00031.

Submission:

CeGaT Center for Human Genetics Tuebingen
Classification: Likely benign. Last evaluated: 2022-10-01. Review status: criteria provided, single submitter. Criteria: CeGaT Center For Human Genetics Tuebingen Variant Classification Criteria Version 2. Collection method: clinical testing. Allele origin: germline. Affected: yes. Observed: 1 variant allele.
Comment: FLG: BP4, BP7